The following is an entry in ClinVar:

ClinVar aggregate classification (germline): Uncertain significance. Review status: criteria provided, multiple submitters, no conflicts (2 of 4 stars). 2 submissions from 2 submitters: Uncertain significance (2). Last evaluated 2023-12-07.

Conditions:
Retinal dystrophy. Also called: Inherited retinal dystrophy. Identifiers: Orphanet 71862, MedGen C0854723, MeSH D058499, MONDO:0019118, HP:0000556.

Allele frequency attached by ClinVar (database versions not stated): gnomAD 0.00001; gnomAD exomes 0.00002 and 0.00003; TOPMed 0.00002; ExAC 0.00003.
gnomAD v4.1: 17 of 1,613,858 alleles (0.0011%); highest among the groups gnomAD compares: East Asian, 0.036%; no homozygotes.

Submissions (2):

Labcorp Genetics (formerly Invitae), Labcorp
Classification: Uncertain significance. Last evaluated: 2023-12-07. Review status: criteria provided, single submitter. Criteria: Invitae Variant Classification Sherloc (09022015). Collection method: clinical testing. Allele origin: germline.
Comment: This sequence change replaces asparagine, which is neutral and polar, with threonine, which is neutral and polar, at codon 857 of the PCARE protein (p.Asn857Thr). This variant is present in population databases (rs758364172, gnomAD 0.03%). This variant has not been reported in the literature in individuals affected with PCARE-related conditions. ClinVar contains an entry for this variant (Variation ID: 1005502). An algorithm developed to predict the effect of missense changes on protein structure and function (PolyPhen-2) suggests that this variant is likely to be tolerated. In summary, the available evidence is currently insufficient to determine the role of this variant in disease. Therefore, it has been classified as a Variant of Uncertain Significance.

Dept Of Ophthalmology, Nagoya University
Classification: Uncertain significance for Retinal dystrophy. Last evaluated: 2023-10-01. Review status: criteria provided, single submitter. Criteria: Submitter's publication. Collection method: research. Allele origin: germline. Affected: yes.

NM_001029883.3(PCARE):c.2570A>C (p.Asn857Thr)

Gene: PCARE (photoreceptor cilium actin regulator; minus strand). Cytogenetic location: 2p23.2.
Variant type: single nucleotide variant.
Coding change: c.2570A>C on transcript NM_001029883.3 (MANE Select); coding-DNA position 2570, A replaced by C.
Protein change: p.Asn857Thr; replaces asparagine 857 with threonine.
Molecular consequence: missense variant.
Genome position (GRCh38, 1-based): chr2:29,071,692, T>G on the plus strand (A>C on the coding strand, the complement: PCARE is on the minus strand). VCF-style: chr2-29071692-T-G. GRCh37 (hg19) VCF-style: chr2-29294558-T-G.
Other names: short protein forms N857T.
Identifiers: ClinVar variation 1005502 (VCV001005502.7), dbSNP rs758364172, ClinGen allele CA1592169.